The following is an entry in ClinVar:

ClinVar aggregate classification (germline): Likely benign (1 of 4 stars; one submission).

gnomAD v4.1: 108 of 1,614,068 alleles (0.0067%); highest among the groups gnomAD compares: Middle Eastern, 0.033%; no homozygotes.

Submission:

CeGaT Center for Human Genetics Tuebingen
Classification: Likely benign. Last evaluated: 2024-11-01. Review status: criteria provided, single submitter. Criteria: CeGaT Center For Human Genetics Tuebingen Variant Classification Criteria Version 2. Collection method: clinical testing. Allele origin: germline. Affected: yes. Observed: 1 variant allele.
Comment: TM9SF4: BP4, BP7

NM_014742.4(TM9SF4):c.1533C>T (p.Phe511=)

Gene: TM9SF4 (transmembrane 9 superfamily member 4; plus strand). Cytogenetic location: 20q11.21.
Variant type: single nucleotide variant.
Coding change: c.1533C>T on transcript NM_014742.4 (MANE Select); coding-DNA position 1533, C replaced by T.
Protein change: p.Phe511=; no amino-acid change (phenylalanine 511 retained).
Molecular consequence: synonymous variant.
Genome position (GRCh38, 1-based): chr20:32,158,478, C>T. VCF-style: chr20-32158478-C-T. GRCh37 (hg19) VCF-style: chr20-30746281-C-T.
Other names: c.1482C>T, p.Phe494= (NM_001363731.2).
Identifiers: ClinVar variation 3388746 (VCV003388746.14).
Genomic context (GRCh38, chr20:32,158,478, plus strand): 5'-CTCTAACAATGTCAACCTCTCGTTCTGTGGCAGCATCCTCATGGCTGGGATCTTGCCCTT[C>T]GGCGCCATGTTCATCGAGCTCTTCTTCATCTTCAGTGTGAGTACTGGTGCCTCCCCCACC-3'
Protein context (NP_055557.2, residues 501-521): VGILMAGILP[Phe511=]GAMFIELFFI